The following is an entry in ClinVar:

NM_000179.3(MSH6):c.3273T>C (p.Leu1091=)

Gene: MSH6 (mutS homolog 6; plus strand). Cytogenetic location: 2p16.3.
Variant type: single nucleotide variant.
Coding change: c.3273T>C on transcript NM_000179.3 (MANE Select); coding-DNA position 3273, T replaced by C.
Protein change: p.Leu1091=; no amino-acid change (leucine 1091 retained).
Molecular consequence: synonymous variant. On other transcripts: non-coding transcript variant (5), intron variant (1).
Genome position (GRCh38, 1-based): chr2:47,803,520, T>C. VCF-style: chr2-47803520-T-C. GRCh37 (hg19) VCF-style: chr2-48030659-T-C.
Other names: c.2883T>C, p.Leu961= (NM_001281492.2); c.2367T>C, p.Leu789= (NM_001281493.2, NM_001281494.2, NM_001406811.1 and 6 more transcripts); c.3369T>C, p.Leu1123= (NM_001406795.1, NM_001406802.1); c.3273T>C, p.Leu1091= (NM_001406796.1, NM_001406800.1, NM_001406808.1 and 1 more transcripts); c.2976T>C, p.Leu992= (NM_001406797.1, NM_001406801.1, NM_001406805.1 and 10 more transcripts); c.2748T>C, p.Leu916= (NM_001406799.1, NM_001406806.1, NM_001406807.1); c.2409T>C, p.Leu803= (NM_001406803.1); c.3195T>C, p.Leu1065= (NM_001406804.1); and 7 more.
Identifiers: ClinVar variation 3875096 (VCV003875096.2).

ClinVar aggregate classification (germline): Benign/Likely benign. Review status: criteria provided, multiple submitters, no conflicts (2 of 4 stars). 2 submissions from 2 submitters: Benign (1); Likely benign (1). Last evaluated 2025-02-21.

Conditions:
Hereditary cancer-predisposing syndrome. Also called: Tumor predisposition; Neoplastic Syndromes, Hereditary; Hereditary Cancer Syndrome; Hereditary neoplastic syndrome. Identifiers: Orphanet 140162, MedGen C0027672, MeSH D009386, MONDO:0015356.
Lynch syndrome 5 (LYNCH5). Also called: Hereditary non-polyposis colorectal cancer, type 5; Colorectal cancer, hereditary nonpolyposis, type 5. Identifiers: Orphanet 144, MedGen C1833477, MONDO:0013710, OMIM 614350. Disease mechanism: loss of function.

Submissions (2):

Ambry Genetics
Classification: Likely benign for Hereditary cancer-predisposing syndrome. Last evaluated: 2025-02-21. Review status: criteria provided, single submitter. Criteria: Ambry Variant Classification Scheme 2023. Collection method: clinical testing. Allele origin: germline.

Myriad Genetics, Inc.
Classification: Benign for Lynch syndrome 5. Last evaluated: 2025-01-06. Review status: criteria provided, single submitter. Criteria: Myriad Autosomal Dominant, Autosomal Recessive and X-Linked Classification Criteria (2023). Collection method: clinical testing. Allele origin: unknown.
Comment: This variant is considered benign. This variant is a silent/synonymous amino acid change and it is not expected to impact splicing.